The following is an entry in ClinVar:

NM_004998.4(MYO1E):c.2627+1G>A

Gene: MYO1E (myosin IE; minus strand). Cytogenetic location: 15q22.2.
Variant type: single nucleotide variant.
Coding change: c.2627+1G>A on transcript NM_004998.4 (MANE Select); the canonical splice donor site of the intron after coding-DNA position 2627, G replaced by A.
Molecular consequence: splice donor variant.
Genome position (GRCh38, 1-based): chr15:59,163,156, C>T on the plus strand (G>A on the coding strand, the complement: MYO1E is on the minus strand). VCF-style: chr15-59163156-C-T. GRCh37 (hg19) VCF-style: chr15-59455355-C-T.
Identifiers: ClinVar variation 2994089 (VCV002994089.4), dbSNP rs200956105, ClinGen allele CA271780341.

ClinVar aggregate classification (germline): Likely pathogenic (1 of 4 stars; one submission).

Allele frequency attached by ClinVar (database versions not stated): TOPMed below 0.00001; gnomAD 0.00001.
gnomAD v4.1: 2 of 1,613,842 alleles (0.00012%); highest among the groups gnomAD compares: Non-Finnish European, 0.00017%; no homozygotes.

Submissions (2):

Labcorp Genetics (formerly Invitae), Labcorp
Classification: Likely pathogenic. Last evaluated: 2023-05-11. Review status: criteria provided, single submitter. Criteria: Invitae Variant Classification Sherloc (09022015). Collection method: clinical testing. Allele origin: germline.
Comment: In summary, the currently available evidence indicates that the variant is pathogenic, but additional data are needed to prove that conclusively. Therefore, this variant has been classified as Likely Pathogenic. Algorithms developed to predict the effect of sequence changes on RNA splicing suggest that this variant may disrupt the consensus splice site. This variant has not been reported in the literature in individuals affected with MYO1E-related conditions. This variant is not present in population databases (gnomAD no frequency). This sequence change affects a donor splice site in intron 23 of the MYO1E gene. It is expected to disrupt RNA splicing. Variants that disrupt the donor or acceptor splice site typically lead to a loss of protein function (PMID: 16199547), and loss-of-function variants in MYO1E are known to be pathogenic (PMID: 21756023, 23595123, 25349199).

Dr. Peter K. Rogan Lab, Western University
No classification provided (evidence only). Condition: Uterine corpus endometrial carcinoma. Review status: no classification provided. Collection method: in vitro. Allele origin: not applicable. Functional consequence: skipped exon. Not counted in ClinVar's aggregate classification.

Literature cited by the submitters: PubMed 16199547 (cited by Labcorp Genetics (formerly Invitae), Labcorp); PubMed 21756023 (cited by Labcorp Genetics (formerly Invitae), Labcorp); PubMed 23595123 (cited by Labcorp Genetics (formerly Invitae), Labcorp); PubMed 25349199 (cited by Labcorp Genetics (formerly Invitae), Labcorp).